The following is an entry in ClinVar:

ClinVar aggregate classification (germline): Uncertain significance (1 of 4 stars; one submission).

Submission:

Labcorp Genetics (formerly Invitae), Labcorp
Classification: Uncertain significance. Last evaluated: 2024-09-11. Review status: criteria provided, single submitter. Criteria: Invitae Variant Classification Sherloc (09022015). Collection method: clinical testing. Allele origin: germline.
Comment: This sequence change replaces leucine, which is neutral and non-polar, with arginine, which is basic and polar, at codon 162 of the LZTS1 protein (p.Leu162Arg). This variant is not present in population databases (gnomAD no frequency). This variant has not been reported in the literature in individuals affected with LZTS1-related conditions. Invitae Evidence Modeling of protein sequence and biophysical properties (such as structural, functional, and spatial information, amino acid conservation, physicochemical variation, residue mobility, and thermodynamic stability) indicates that this missense variant is not expected to disrupt LZTS1 protein function with a negative predictive value of 80%. In summary, the available evidence is currently insufficient to determine the role of this variant in disease. Therefore, it has been classified as a Variant of Uncertain Significance.

NM_021020.5(LZTS1):c.485T>G (p.Leu162Arg)

Gene: LZTS1 (leucine zipper tumor suppressor 1; minus strand). Cytogenetic location: 8p21.3.
Variant type: single nucleotide variant.
Coding change: c.485T>G on transcript NM_021020.5 (MANE Select); coding-DNA position 485, T replaced by G.
Protein change: p.Leu162Arg; replaces leucine 162 with arginine.
Molecular consequence: missense variant.
Genome position (GRCh38, 1-based): chr8:20,253,446, A>C on the plus strand (T>G on the coding strand, the complement: LZTS1 is on the minus strand). VCF-style: chr8-20253446-A-C. GRCh37 (hg19) VCF-style: chr8-20110957-A-C.
Other names: c.485T>G, p.Leu162Arg (NM_001362884.2); short protein forms L162R.
Identifiers: ClinVar variation 3666933 (VCV003666933.2).
Genomic context (GRCh38, chr8:20,253,446, plus strand): 5'-AGGCTGGACATGGAGTTCCGGCCGGAGTCTGACAGCGCCCCAGAGCACAGGCCAGGCTTC[A>C]GCTCCTGCTCCTTGGGCTTGTCTGGAGGGGCGGGGTGCAGCTGGTGGCTGGCACTCTCCG-3'
Protein context (NP_066300.1, residues 152-172): APPDKPKEQE[Leu162Arg]KPGLCSGALS